The following is an entry in ClinVar:

ClinVar aggregate classification (germline): Uncertain significance. Review status: criteria provided, multiple submitters, no conflicts (2 of 4 stars). 2 submissions from 2 submitters: Uncertain significance (2). Last evaluated 2026-05-07.

Conditions:
Hereditary breast ovarian cancer syndrome. Also called: Hereditary breast and ovarian cancer; Breast and ovarian cancer; Hereditary breast and/or ovarian cancer syndrome; Hereditary breast and ovarian cancer syndrome; Hereditary breast and ovarian cancer syndrome (HBOC); BRCA1- and BRCA2-Associated Hereditary Breast and Ovarian Cancer. Identifiers: Orphanet 145, MedGen C0677776, MeSH D061325, MONDO:0003582. Disease mechanism: loss of function.
Hereditary cancer-predisposing syndrome. Also called: Tumor predisposition; Neoplastic Syndromes, Hereditary; Hereditary Cancer Syndrome; Hereditary neoplastic syndrome. Identifiers: Orphanet 140162, MedGen C0027672, MeSH D009386, MONDO:0015356.

Submissions (2):

Ambry Genetics
Classification: Uncertain significance for Hereditary cancer-predisposing syndrome. Last evaluated: 2026-05-07. Review status: criteria provided, single submitter. Criteria: Ambry Variant Classification Scheme 2023. Collection method: clinical testing. Allele origin: germline.
Comment: The c.311_316delACTTAG variant results from a deletion of six nucleotides between positions c.311 and c.316 and involves the canonical splice donor site after coding exon 2 of the BRCA2 gene. The canonical splice donor site is well conserved in available vertebrate species. In silico splice site analysis predicts that this alteration will weaken the native splice donor site and will result in the creation or strengthening of a novel splice donor site; however, the exact impact of this deletion on splicing and function is currently unknown. Based on the available evidence, the clinical significance of this variant remains unclear.

Labcorp Genetics (formerly Invitae), Labcorp
Classification: Uncertain significance for Hereditary breast ovarian cancer syndrome. Last evaluated: 2024-05-07. Review status: criteria provided, single submitter. Criteria: Invitae Variant Classification Sherloc (09022015). Collection method: clinical testing. Allele origin: germline.
Comment: This variant, c.311_316del, results in the deletion of 2 amino acid(s) of the BRCA2 protein (p.Asp104_Leu105del), but otherwise preserves the integrity of the reading frame. This variant is not present in population databases (gnomAD no frequency). This variant has not been reported in the literature in individuals affected with BRCA2-related conditions. ClinVar contains an entry for this variant (Variation ID: 1498357). Experimental studies and prediction algorithms are not available or were not evaluated, and the functional significance of this variant is currently unknown. In summary, the available evidence is currently insufficient to determine the role of this variant in disease. Therefore, it has been classified as a Variant of Uncertain Significance.

NM_000059.4(BRCA2):c.311_316del (p.Asp104_Leu105del)

Gene: BRCA2 (BRCA2 DNA repair associated; plus strand). Cytogenetic location: 13q13.1.
Variant type: Deletion.
Coding change: c.311_316del on transcript NM_000059.4 (MANE Select); coding-DNA positions 311 to 316, 6 bases deleted (ACTTAG; older notation c.311_316delACTTAG).
Protein change: p.Asp104_Leu105del.
Molecular consequence: inframe deletion.
Genome position (GRCh38, 1-based): chr13:32,319,320-32,319,325, ACTTAG deleted; deleting any 6 consecutive bases within chr13:32,319,316-32,319,325 gives the same sequence; the c. name uses the placement nearest the transcript's 3' end. VCF-style (leftmost placement, unchanged base first): chr13-32319315-ATTAGAC-A. GRCh37 (hg19) VCF-style: chr13-32893452-ATTAGAC-A.
Other names: c.311_316delACTTAG (NM_000059.3).
Identifiers: ClinVar variation 1498357 (VCV001498357.9), dbSNP rs2138705876, ClinGen allele CA2573149309.